The following is an entry in ClinVar:

NM_014822.4(SEC24D):c.1576C>T (p.Leu526Phe)

Gene: SEC24D (SEC24 homolog D, COPII component; minus strand). Cytogenetic location: 4q26.
Variant type: single nucleotide variant.
Coding change: c.1576C>T on transcript NM_014822.4 (MANE Select); coding-DNA position 1576, C replaced by T.
Protein change: p.Leu526Phe; replaces leucine 526 with phenylalanine.
Molecular consequence: missense variant.
Genome position (GRCh38, 1-based): chr4:118,752,734, G>A on the plus strand (C>T on the coding strand, the complement: SEC24D is on the minus strand). VCF-style: chr4-118752734-G-A. GRCh37 (hg19) VCF-style: chr4-119673889-G-A.
Other names: c.1579C>T, p.Leu527Phe (NM_001318066.2); short protein forms L526F, L527F.
Identifiers: ClinVar variation 787174 (VCV000787174.44), dbSNP rs141180741, ClinGen allele CA3057220.

ClinVar aggregate classification (germline): Benign/Likely benign. Review status: criteria provided, multiple submitters, no conflicts (2 of 4 stars). 8 submissions from 8 submitters: Benign (5); Likely benign (1). 2 of the submissions do not count toward it. Last evaluated 2026-08-01.

Conditions:
Cole-Carpenter syndrome 2 (CLCRP2). Identifiers: Orphanet 2050, MedGen C4225382, MONDO:0014573, OMIM 616294.

Allele frequency attached by ClinVar (database versions not stated): ESP Exome Variant Server 0.00669; gnomAD 0.00876 and 0.00908; 1000 Genomes Project 30x 0.00234; 1000 Genomes Project 0.00240; TOPMed 0.00573; gnomAD exomes 0.00898 and 0.00959; ExAC 0.00915.
gnomAD v4.1: 15,118 of 1,607,568 alleles (0.94%); highest among the groups gnomAD compares: Non-Finnish European, 1.1%; 144 homozygotes.

Submissions (8):

CeGaT Center for Human Genetics Tuebingen
Classification: Benign. Last evaluated: 2026-08-01. Review status: criteria provided, single submitter. Criteria: CeGaT Center For Human Genetics Tuebingen Variant Classification Criteria Version 2. Collection method: clinical testing. Allele origin: germline. Affected: yes. Observed: 13 variant alleles.
Comment: SEC24D: BS1, BS2

Labcorp Genetics (formerly Invitae), Labcorp
Classification: Benign. Last evaluated: 2026-01-19. Review status: criteria provided, single submitter. Criteria: Invitae Variant Classification Sherloc (09022015). Collection method: clinical testing. Allele origin: germline.

ARUP Laboratories, Molecular Genetics and Genomics, ARUP Laboratories
Classification: Benign for Cole-Carpenter syndrome 2. Last evaluated: 2025-01-09. Review status: criteria provided, single submitter. Criteria: ARUP Molecular Germline Variant Investigation Process 2024. Collection method: clinical testing. Allele origin: germline.

Fulgent Genetics
Classification: Likely benign for Cole-Carpenter syndrome 2. Last evaluated: 2022-01-17. Review status: criteria provided, single submitter. Criteria: ACMG Guidelines, 2015. Collection method: clinical testing. Allele origin: unknown.

GeneDx
Classification: Benign. Last evaluated: 2021-02-26. Review status: criteria provided, single submitter. Criteria: GeneDx Variant Classification Process June 2021. Collection method: clinical testing. Allele origin: germline. Affected: yes.
Comment: This variant is associated with the following publications: (PMID: 30719581)

Breakthrough Genomics
Classification: Benign. Review status: criteria provided, single submitter. Criteria: ACMG Guidelines, 2015. Collection method: not provided. Allele origin: germline. Inheritance: Autosomal recessive inheritance. Affected: yes.

Genome Diagnostics Laboratory, Amsterdam University Medical Center
Classification: Benign. Review status: no assertion criteria provided. Collection method: clinical testing. Allele origin: germline. Affected: yes. Study: VKGL Data-share Consensus. Not counted in ClinVar's aggregate classification.

Laboratory of Diagnostic Genome Analysis, Leiden University Medical Center (LUMC)
Classification: Likely benign. Review status: no assertion criteria provided. Collection method: clinical testing. Allele origin: germline. Affected: yes. Study: VKGL Data-share Consensus. Not counted in ClinVar's aggregate classification.